The following is an entry in ClinVar:

NM_000085.5(CLCNKB):c.229+5C>A

Genes: CLCNKB (chloride voltage-gated channel Kb; plus strand), LOC106501713 (CLCNKB recombination region; plus strand). Cytogenetic location: 1p36.13.
Variant type: single nucleotide variant.
Coding change: c.229+5C>A on transcript NM_000085.5 (MANE Select); 5 bases into the intron after coding-DNA position 229, C replaced by A.
Molecular consequence: intron variant.
Genome position (GRCh38, 1-based): chr1:16,045,691, C>A. VCF-style: chr1-16045691-C-A. GRCh37 (hg19) VCF-style: chr1-16372186-C-A.
Identifiers: ClinVar variation 2997983 (VCV002997983.3), dbSNP rs2023079798, ClinGen allele CA998969763.

ClinVar aggregate classification (germline): Uncertain significance (1 of 4 stars; one submission).

Allele frequency attached by ClinVar (database versions not stated): gnomAD 0.00001.
gnomAD v4.1: 1 of 1,612,598 alleles (0.000062%); highest among the groups gnomAD compares: Non-Finnish European, 0.000085%; no homozygotes.

Submission:

Labcorp Genetics (formerly Invitae), Labcorp
Classification: Uncertain significance. Last evaluated: 2024-04-29. Review status: criteria provided, single submitter. Criteria: Invitae Variant Classification Sherloc (09022015). Collection method: clinical testing. Allele origin: germline.
Comment: This sequence change falls in intron 3 of the CLCNKB gene. It does not directly change the encoded amino acid sequence of the CLCNKB protein. It affects a nucleotide within the consensus splice site. This variant is not present in population databases (gnomAD no frequency). This variant has not been reported in the literature in individuals affected with CLCNKB-related conditions. Variants that disrupt the consensus splice site are a relatively common cause of aberrant splicing (PMID: 17576681, 9536098). Algorithms developed to predict the effect of sequence changes on RNA splicing suggest that this variant is not likely to affect RNA splicing. In summary, the available evidence is currently insufficient to determine the role of this variant in disease. Therefore, it has been classified as a Variant of Uncertain Significance.

Literature cited by the submitters: PubMed 17576681; PubMed 9536098.